The following is an entry in ClinVar:

NM_152419.3(HGSNAT):c.1099G>A (p.Ala367Thr)

Gene: HGSNAT (heparan-alpha-glucosaminide N-acetyltransferase; plus strand). Cytogenetic location: 8p11.21.
Variant type: single nucleotide variant.
Coding change: c.1099G>A on transcript NM_152419.3 (MANE Select); coding-DNA position 1099, G replaced by A.
Protein change: p.Ala367Thr; replaces alanine 367 with threonine.
Molecular consequence: missense variant.
Genome position (GRCh38, 1-based): chr8:43,182,231, G>A. VCF-style: chr8-43182231-G-A. GRCh37 (hg19) VCF-style: chr8-43037374-G-A.
Other names: c.1099G>A, p.Ala367Thr (NM_001363227.2); c.907G>A, p.Ala303Thr (NM_001363228.2); c.235G>A, p.Ala79Thr (NM_001363229.2); short protein forms A79T, A367T, A303T.
Identifiers: ClinVar variation 640821 (VCV000640821.5), dbSNP rs1476919967, ClinGen allele CA371118473.

ClinVar aggregate classification (germline): Uncertain significance. Review status: criteria provided, single submitter (1 of 4 stars). 2 submissions from 2 submitters: Uncertain significance (1). 1 of the submissions does not count toward it. Last evaluated 2024-01-17.

Conditions:
Mucopolysaccharidosis, MPS-III-C (MPS3C). Also called: MPS IIIC (Sanfilippo Syndrome Type C); MPS III C; MUCOPOLYSACCHARIDOSIS, TYPE IIIC; SANFILIPPO SYNDROME C; Mucopolysaccharidosis type IIIC (Sanfilippo C); mucopolysaccharidosis type 3C. Identifiers: Orphanet 581, Orphanet 79271, MedGen C0086649, MONDO:0009657, OMIM 252930.
Retinitis pigmentosa 73 (RP73). Identifiers: Orphanet 791, MedGen C4225287, MONDO:0014687, OMIM 616544.

Allele frequency attached by ClinVar (database versions not stated): gnomAD exomes below 0.00001 and 0.00001; gnomAD 0.00001; TOPMed 0.00001.
gnomAD v4.1: 10 of 1,613,788 alleles (0.00062%); highest among the groups gnomAD compares: Admixed American, 0.015%; no homozygotes.

Submissions (2):

Labcorp Genetics (formerly Invitae), Labcorp
Classification: Uncertain significance for Retinitis pigmentosa 73; Mucopolysaccharidosis, MPS-III-C. Last evaluated: 2024-01-17. Review status: criteria provided, single submitter. Criteria: Invitae Variant Classification Sherloc (09022015). Collection method: clinical testing. Allele origin: germline.
Comment: This sequence change replaces alanine, which is neutral and non-polar, with threonine, which is neutral and polar, at codon 367 of the HGSNAT protein (p.Ala367Thr). This variant is present in population databases (no rsID available, gnomAD no frequency). This variant has not been reported in the literature in individuals affected with HGSNAT-related conditions. ClinVar contains an entry for this variant (Variation ID: 640821). Advanced modeling of protein sequence and biophysical properties (such as structural, functional, and spatial information, amino acid conservation, physicochemical variation, residue mobility, and thermodynamic stability) performed at Invitae indicates that this missense variant is not expected to disrupt HGSNAT protein function with a negative predictive value of 95%. In summary, the available evidence is currently insufficient to determine the role of this variant in disease. Therefore, it has been classified as a Variant of Uncertain Significance.

Natera, Inc.
Classification: Uncertain significance for Mucopolysaccharidosis type IIIC. Last evaluated: 2020-07-21. Review status: no assertion criteria provided. Collection method: clinical testing. Allele origin: germline. Not counted in ClinVar's aggregate classification.